The following is an entry in ClinVar:

NM_001099922.3(ALG13):c.303C>T (p.Asn101=)

Gene: ALG13 (ALG13 UDP-N-acetylglucosaminyltransferase subunit; plus strand). Cytogenetic location: Xq23.
Variant type: single nucleotide variant.
Coding change: c.303C>T on transcript NM_001099922.3 (MANE Select); coding-DNA position 303, C replaced by T.
Protein change: p.Asn101=; no amino-acid change (asparagine 101 retained).
Molecular consequence: synonymous variant. On other transcripts: nonsense (1), 5 prime UTR variant (9), non-coding transcript variant (3).
Genome position (GRCh38, 1-based): chrX:111,685,023, C>T. VCF-style: chrX-111685023-C-T. GRCh37 (hg19) VCF-style: chrX-110928251-C-T.
Other names: c.244C>T (NM_001039210.4); c.244C>T, p.Arg82Ter (NM_001039210.5); c.303C>T, p.Asn101= (NM_001168385.3, NM_001324292.2, NM_018466.6); c.-10C>T (NM_001257230.2, NM_001257234.2, NM_001257235.3 and 6 more transcripts); c.69C>T, p.Asn23= (NM_001257231.2, NM_001257241.3); c.309C>T, p.Asn103= (NM_001324290.2); short protein forms R82*.
Identifiers: ClinVar variation 509860 (VCV000509860.11), dbSNP rs763113044, ClinGen allele CA10493477.
Genomic context (GRCh38, chrX:111,685,023, plus strand): 5'-AGGTGCAGGAAGCTGTTTGGAGACTCTGGAAAAAGGAAAGCCACTCGTAGTGGTTATAAA[C>T]GAAAAGTTGATGAACAATCATCAGCTGGAACTGGCAAAGCAGCTACACAAAGAGGGTCAT-3'
Protein context (NP_001093392.1, residues 91-111): EKGKPLVVVI[Asn101=]EKLMNNHQLE

ClinVar aggregate classification (germline): Likely benign. Review status: criteria provided, multiple submitters, no conflicts (2 of 4 stars). 4 submissions from 4 submitters: Likely benign (3). 1 of the submissions does not count toward it. Last evaluated 2025-05-05.

Conditions:
Developmental and epileptic encephalopathy, 36 (DEE36). Also called: Congenital disorder of glycosylation, type Is; Epileptic encephalopathy, early infantile, 36; ALG13-CDG. Identifiers: Orphanet 324422, MedGen C4317295, MONDO:0010472, OMIM 300884.
ALG13-related disorder. Also called: ALG13-related condition.

Allele frequency attached by ClinVar (database versions not stated): gnomAD 0.00003; TOPMed 0.00007; gnomAD exomes 0.00001 and 0.00006; ExAC 0.00001.
gnomAD v4.1: 68 of 1,208,769 alleles (0.0056%); highest among the groups gnomAD compares: Non-Finnish European, 0.0073%; no homozygotes.

Submissions (4):

Women's Health and Genetics/Laboratory Corporation of America, LabCorp
Classification: Likely benign. Last evaluated: 2025-05-05. Review status: criteria provided, single submitter. Criteria: LabCorp Variant Classification Summary - May 2015. Collection method: clinical testing. Allele origin: germline.

Labcorp Genetics (formerly Invitae), Labcorp
Classification: Likely benign for Developmental and epileptic encephalopathy, 36. Last evaluated: 2024-11-16. Review status: criteria provided, single submitter. Criteria: Invitae Variant Classification Sherloc (09022015). Collection method: clinical testing. Allele origin: germline.

GeneDx
Classification: Likely benign. Last evaluated: 2018-02-18. Review status: criteria provided, single submitter. Criteria: GeneDx Variant Classification (06012015). Collection method: clinical testing. Allele origin: germline. Affected: yes.
Comment: This variant is considered likely benign or benign based on one or more of the following criteria: it is a conservative change, it occurs at a poorly conserved position in the protein, it is predicted to be benign by multiple in silico algorithms, and/or has population frequency not consistent with disease.

PreventionGenetics, part of Exact Sciences
Classification: Uncertain significance for ALG13-related condition. Last evaluated: 2024-03-21. Review status: no assertion criteria provided. Collection method: clinical testing. Allele origin: germline. Not counted in ClinVar's aggregate classification.
Comment: The ALG13 c.244C>T variant is predicted to result in premature protein termination (p.Arg82*). To our knowledge, this variant has not been reported in the literature. This variant is reported in 0.0022% of alleles in individuals of European (Non-Finnish) descent in gnomAD. Although we suspect that this variant may be benign, at this time, the clinical significance of this variant is uncertain due to the absence of conclusive functional and genetic evidence.